The following is an entry in ClinVar:

ClinVar aggregate classification (germline): Likely benign. Review status: criteria provided, single submitter (1 of 4 stars). 2 submissions from 2 submitters: Likely benign (1). 1 of the submissions does not count toward it. Last evaluated 2022-01-06.

Conditions:
ANKRD11-related disorder. Also called: ANKRD11-related condition.
KBG syndrome (KBGS). Also called: ANKRD11-Related KBG Syndrome. Identifiers: Orphanet 2332, MedGen C0220687, MONDO:0007846, OMIM 148050.

gnomAD v4.1: 13 of 1,613,922 alleles (0.00081%); highest among the groups gnomAD compares: Non-Finnish European, 0.0011%; no homozygotes.

Submissions (2):

Labcorp Genetics (formerly Invitae), Labcorp
Classification: Likely benign for KBG syndrome. Last evaluated: 2022-01-06. Review status: criteria provided, single submitter. Criteria: Invitae Variant Classification Sherloc (09022015). Collection method: clinical testing. Allele origin: germline.

PreventionGenetics, part of Exact Sciences
Classification: Likely benign for ANKRD11-related condition. Last evaluated: 2019-07-26. Review status: no assertion criteria provided. Collection method: clinical testing. Allele origin: germline. Not counted in ClinVar's aggregate classification.
Comment: This variant is classified as likely benign based on ACMG/AMP sequence variant interpretation guidelines (Richards et al. 2015 PMID: 25741868, with internal and published modifications).

NM_013275.6(ANKRD11):c.429T>A (p.Ser143=)

Gene: ANKRD11 (ankyrin repeat domain 11; minus strand). Cytogenetic location: 16q24.3.
Variant type: single nucleotide variant.
Coding change: c.429T>A on transcript NM_013275.6 (MANE Select); coding-DNA position 429, T replaced by A.
Protein change: p.Ser143=; no amino-acid change (serine 143 retained).
Molecular consequence: synonymous variant. On other transcripts: non-coding transcript variant (1).
Genome position (GRCh38, 1-based): chr16:89,290,797, A>T on the plus strand (T>A on the coding strand, the complement: ANKRD11 is on the minus strand). VCF-style: chr16-89290797-A-T. GRCh37 (hg19) VCF-style: chr16-89357205-A-T.
Other names: c.429T>A (NM_013275.5); c.429T>A, p.Ser143= (NM_001256182.2, NM_001256183.2).
Identifiers: ClinVar variation 2076829 (VCV002076829.6), dbSNP rs2544306064, ClinGen allele CA497171089.